The following is an entry in ClinVar:

ClinVar aggregate classification (germline): Uncertain significance (1 of 4 stars; one submission).

Submission:

Labcorp Genetics (formerly Invitae), Labcorp
Classification: Uncertain significance. Last evaluated: 2025-10-29. Review status: criteria provided, single submitter. Criteria: Invitae Variant Classification Sherloc (09022015). Collection method: clinical testing. Allele origin: germline.
Comment: This sequence change replaces glutamine, which is neutral and polar, with histidine, which is basic and polar, at codon 1144 of the AP3D1 protein (p.Gln1144His). This variant is not present in population databases (gnomAD no frequency). This variant has not been reported in the literature in individuals affected with AP3D1-related conditions. An algorithm developed to predict the effect of missense changes on protein structure and function outputs the following: PolyPhen-2: "Benign". The histidine amino acid residue is found in multiple mammalian species, which suggests that this missense change does not adversely affect protein function. In summary, the available evidence is currently insufficient to determine the role of this variant in disease. Therefore, it has been classified as a Variant of Uncertain Significance.

NM_001261826.3(AP3D1):c.3432G>T (p.Gln1144His)

Gene: AP3D1 (adaptor related protein complex 3 subunit delta 1; minus strand). Cytogenetic location: 19p13.3.
Variant type: single nucleotide variant.
Coding change: c.3432G>T on transcript NM_001261826.3 (MANE Select); coding-DNA position 3432, G replaced by T.
Protein change: p.Gln1144His; replaces glutamine 1144 with histidine.
Molecular consequence: missense variant.
Genome position (GRCh38, 1-based): chr19:2,109,126, C>A on the plus strand (G>T on the coding strand, the complement: AP3D1 is on the minus strand). VCF-style: chr19-2109126-C-A. GRCh37 (hg19) VCF-style: chr19-2109125-C-A.
Other names: c.3396G>T, p.Gln1132His (NM_001374799.1); c.3246G>T, p.Gln1082His (NM_003938.8); short protein forms Q1132H, Q1144H, Q1082H.
Identifiers: ClinVar variation 4730119 (VCV004730119.1).